The following is an entry in ClinVar:

ClinVar aggregate classification (germline): Conflicting classifications of pathogenicity. Review status: criteria provided, conflicting classifications (1 of 4 stars). 2 submissions from 2 submitters: Uncertain significance (1); Likely benign (1). Last evaluated 2025-12-30.

Conditions:
Inborn genetic diseases. Identifiers: MedGen C0950123, MeSH D030342.

Allele frequency attached by ClinVar (database versions not stated): ExAC 0.00001; gnomAD 0.00003; TOPMed 0.00003.
gnomAD v4.1: 49 of 1,613,902 alleles (0.003%); highest among the groups gnomAD compares: Non-Finnish European, 0.004%; no homozygotes.

Submissions (2):

Labcorp Genetics (formerly Invitae), Labcorp
Classification: Uncertain significance. Last evaluated: 2025-12-30. Review status: criteria provided, single submitter. Criteria: Invitae Variant Classification Sherloc (09022015). Collection method: clinical testing. Allele origin: germline.
Comment: This sequence change replaces lysine, which is basic and polar, with arginine, which is basic and polar, at codon 883 of the NLRP1 protein (p.Lys883Arg). This variant is present in population databases (rs139685583, gnomAD 0.0009%). This variant has not been reported in the literature in individuals affected with NLRP1-related conditions. ClinVar contains an entry for this variant (Variation ID: 1905649). An algorithm developed to predict the effect of missense changes on protein structure and function outputs the following: PolyPhen-2: "Benign". The arginine amino acid residue is found in multiple mammalian species, which suggests that this missense change does not adversely affect protein function. In summary, the available evidence is currently insufficient to determine the role of this variant in disease. Therefore, it has been classified as a Variant of Uncertain Significance.

Ambry Genetics
Classification: Likely benign for Inborn genetic diseases. Last evaluated: 2025-04-01. Review status: criteria provided, single submitter. Criteria: Ambry Variant Classification Scheme 2023. Collection method: clinical testing. Allele origin: germline.

NM_033004.4(NLRP1):c.2648A>G (p.Lys883Arg)

Gene: NLRP1 (NLR family pyrin domain containing 1; minus strand). Cytogenetic location: 17p13.2.
Variant type: single nucleotide variant.
Coding change: c.2648A>G on transcript NM_033004.4 (MANE Select); coding-DNA position 2648, A replaced by G.
Protein change: p.Lys883Arg; replaces lysine 883 with arginine.
Molecular consequence: missense variant.
Genome position (GRCh38, 1-based): chr17:5,541,908, T>C on the plus strand (A>G on the coding strand, the complement: NLRP1 is on the minus strand). VCF-style: chr17-5541908-T-C. GRCh37 (hg19) VCF-style: chr17-5445228-T-C.
Other names: c.2648A>G, p.Lys883Arg (NM_001033053.3, NM_014922.5, NM_033006.4 and 1 more transcripts); c.2648A>G (NM_033004.3); short protein forms K883R.
Identifiers: ClinVar variation 1905649 (VCV001905649.6), dbSNP rs139685583, ClinGen allele CA8327107.